The following is an entry in ClinVar:

ClinVar aggregate classification (germline): Uncertain significance. Review status: criteria provided, multiple submitters, no conflicts (2 of 4 stars). 2 submissions from 2 submitters: Uncertain significance (2). Last evaluated 2023-04-21.

Conditions:
Dyskeratosis congenita. Identifiers: Orphanet 1775, MedGen C0265965, MONDO:0015780.

Allele frequency attached by ClinVar (database versions not stated): gnomAD exomes below 0.00001; ExAC 0.00001; gnomAD 0.00001; 1000 Genomes Project 30x 0.00016; 1000 Genomes Project 0.00020.
gnomAD v4.1: 4 of 1,614,112 alleles (0.00025%); highest among the groups gnomAD compares: African/African-American, 0.0013%; no homozygotes.

Submissions (2):

Blueprint Genetics
Classification: Uncertain significance. Last evaluated: 2023-04-21. Review status: criteria provided, single submitter. Criteria: ACMG Guidelines, 2015. Collection method: clinical testing. Allele origin: germline.

Labcorp Genetics (formerly Invitae), Labcorp
Classification: Uncertain significance for Dyskeratosis congenita. Last evaluated: 2022-01-27. Review status: criteria provided, single submitter. Criteria: Invitae Variant Classification Sherloc (09022015). Collection method: clinical testing. Allele origin: germline.
Comment: This variant is present in population databases (rs200025766, gnomAD 0.004%). This variant has not been reported in the literature in individuals affected with TINF2-related conditions. Algorithms developed to predict the effect of missense changes on protein structure and function are either unavailable or do not agree on the potential impact of this missense change (SIFT: "Deleterious"; PolyPhen-2: "Benign"; Align-GVGD: "Class C0"). In summary, the available evidence is currently insufficient to determine the role of this variant in disease. Therefore, it has been classified as a Variant of Uncertain Significance. This sequence change replaces arginine, which is basic and polar, with glutamine, which is neutral and polar, at codon 266 of the TINF2 protein (p.Arg266Gln).

NM_001099274.3(TINF2):c.797G>A (p.Arg266Gln)

Gene: TINF2 (TERF1 interacting nuclear factor 2; minus strand). Cytogenetic location: 14q12.
Variant type: single nucleotide variant.
Coding change: c.797G>A on transcript NM_001099274.3 (MANE Select); coding-DNA position 797, G replaced by A.
Protein change: p.Arg266Gln; replaces arginine 266 with glutamine.
Molecular consequence: missense variant.
Genome position (GRCh38, 1-based): chr14:24,240,683, C>T on the plus strand (G>A on the coding strand, the complement: TINF2 is on the minus strand). VCF-style: chr14-24240683-C-T. GRCh37 (hg19) VCF-style: chr14-24709889-C-T.
Other names: c.692G>A, p.Arg231Gln (NM_001363668.2); c.797G>A, p.Arg266Gln (NM_012461.3); short protein forms R266Q, R231Q.
Identifiers: ClinVar variation 1501747 (VCV001501747.9), dbSNP rs200025766, ClinGen allele CA7130561.
Genomic context (GRCh38, chr14:24,240,683, plus strand): 5'-ATGACTGTGGGGCGCTCCTTATGGCCTCCCCTAGTGGAGGCCCATTGGGACTGAACTCTT[C>T]GTCGGCCTAGAGGGGCCAGATTGAAGTGTCGGCCAGCTAGAGGTTCTGGGTGCGTCCTTG-3'
Protein context (NP_001092744.1, residues 256-276): RHFNLAPLGR[Arg266Gln]RVQSQWASTR